The following is an entry in ClinVar:

NM_001173464.2(KIF21A):c.2888A>G (p.Lys963Arg)

Gene: KIF21A (kinesin family member 21A; minus strand). Cytogenetic location: 12q12.
Variant type: single nucleotide variant.
Coding change: c.2888A>G on transcript NM_001173464.2 (MANE Select); coding-DNA position 2888, A replaced by G.
Protein change: p.Lys963Arg; replaces lysine 963 with arginine.
Molecular consequence: missense variant.
Genome position (GRCh38, 1-based): chr12:39,332,377, T>C on the plus strand (A>G on the coding strand, the complement: KIF21A is on the minus strand). VCF-style: chr12-39332377-T-C. GRCh37 (hg19) VCF-style: chr12-39726179-T-C.
Other names: c.2849A>G, p.Lys950Arg (NM_001173463.2, NM_001378441.1, NM_017641.4); c.2780A>G, p.Lys927Arg (NM_001173465.2); c.2888A>G, p.Lys963Arg (NM_001378439.1, NM_001378440.1); short protein forms K927R, K950R, K963R.
Identifiers: ClinVar variation 2397317 (VCV002397317.3), dbSNP rs370441394, ClinGen allele CA6510656.
Genomic context (GRCh38, chr12:39,332,377, plus strand): 5'-GCCACATTTTTATCTCCCTCTCCATTCTCCTTGACTATCTTCTCCCTTCTTTTTGAAAGT[T>C]TCTCTCGTCTTTTTGTGAGTTCCTCCCGTTGCTATTGAGAAAGCAGGTTGGATTTTAAGA-3'
Protein context (NP_001166935.1, residues 953-973): QREELTKRRE[Lys963Arg]LSKRREKIVK

ClinVar aggregate classification (germline): Conflicting classifications of pathogenicity. Review status: criteria provided, conflicting classifications (1 of 4 stars). 2 submissions from 2 submitters: Uncertain significance (1); Likely benign (1). Last evaluated 2026-09-01.

Conditions:
Inborn genetic diseases. Identifiers: MedGen C0950123, MeSH D030342.

Allele frequency attached by ClinVar (database versions not stated): ExAC 0.00003; gnomAD exomes 0.00005; TOPMed 0.00007; gnomAD 0.00008; ESP Exome Variant Server 0.00015.
gnomAD v4.1: 82 of 1,613,966 alleles (0.0051%); highest among the groups gnomAD compares: Non-Finnish European, 0.0068%; no homozygotes.

Submissions (2):

CeGaT Center for Human Genetics Tuebingen
Classification: Likely benign. Last evaluated: 2026-09-01. Review status: criteria provided, single submitter. Criteria: CeGaT Center For Human Genetics Tuebingen Variant Classification Criteria Version 2. Collection method: clinical testing. Allele origin: germline. Affected: yes. Observed: 1 variant allele.
Comment: KIF21A: BS2

Ambry Genetics
Classification: Uncertain significance for Inborn genetic diseases. Last evaluated: 2022-11-10. Review status: criteria provided, single submitter. Criteria: Ambry Variant Classification Scheme 2023. Collection method: clinical testing. Allele origin: germline.